The following is an entry in ClinVar:

ClinVar aggregate classification (germline): Uncertain significance (1 of 4 stars; one submission).

Conditions:
GPBAR1-related disorder. Also called: GPBAR1-related condition.

Submission:

PreventionGenetics, part of Exact Sciences
Classification: Uncertain significance for GPBAR1-related condition. Last evaluated: 2025-09-23. Review status: criteria provided, single submitter. Criteria: ACMG Guidelines, 2015. Collection method: clinical testing. Allele origin: germline.
Comment: The GPBAR1 c.22G>A variant is predicted to result in the amino acid substitution p.Glu8Lys. To our knowledge, this variant has not been reported in the literature. This variant is reported in 0.013% of alleles in individuals of South Asian descent in gnomAD. At this time, the clinical significance of this variant is uncertain due to the absence of conclusive functional and genetic evidence.

NM_170699.3(GPBAR1):c.22G>A (p.Glu8Lys)

Gene: GPBAR1 (G protein-coupled bile acid receptor 1; plus strand). Cytogenetic location: 2q35.
Variant type: single nucleotide variant.
Coding change: c.22G>A on transcript NM_170699.3 (MANE Select); coding-DNA position 22, G replaced by A.
Protein change: p.Glu8Lys; replaces glutamic acid 8 with lysine.
Molecular consequence: missense variant.
Genome position (GRCh38, 1-based): chr2:218,262,746, G>A. VCF-style: chr2-218262746-G-A. GRCh37 (hg19) VCF-style: chr2-219127469-G-A.
Other names: c.22G>A, p.Glu8Lys (NM_001077191.2, NM_001077194.2, NM_001321950.2); short protein forms E8K.
Identifiers: ClinVar variation 4979906 (VCV004979906.1).